The following is an entry in ClinVar:

ClinVar aggregate classification (germline): Uncertain significance (1 of 4 stars; one submission).

Submission:

Labcorp Genetics (formerly Invitae), Labcorp
Classification: Uncertain significance. Last evaluated: 2024-09-22. Review status: criteria provided, single submitter. Criteria: Invitae Variant Classification Sherloc (09022015). Collection method: clinical testing. Allele origin: germline.
Comment: This variant results in the deletion of part of exon 7 (c.2130+20_2189delinsATG) of the CNNM4 gene. While this variant is not anticipated to result in nonsense mediated decay, it likely alters RNA splicing and results in a disrupted protein product. This variant is not present in population databases (gnomAD no frequency). This variant has not been reported in the literature in individuals affected with CNNM4-related conditions. Experimental studies and prediction algorithms are not available or were not evaluated, and the functional significance of this variant is currently unknown. Variants that disrupt the consensus splice site are a relatively common cause of aberrant splicing (PMID: 17576681, 9536098). In summary, the available evidence is currently insufficient to determine the role of this variant in disease. Therefore, it has been classified as a Variant of Uncertain Significance.

Literature cited by the submitters: PubMed 17576681; PubMed 9536098.

NM_020184.4(CNNM4):c.2130+20_2189delinsATG

Gene: CNNM4 (cyclin and CBS domain divalent metal cation transport mediator 4; plus strand). Cytogenetic location: 2q11.2.
Variant type: Indel.
Coding change: c.2130+20_2189delinsATG on transcript NM_020184.4 (MANE Select); 20 bases into the intron after coding-DNA position 2130 through coding-DNA position 2189, the reference bases replaced by ATG.
Molecular consequence: splice acceptor variant.
Genome position (GRCh38, 1-based): chr2:96,808,762-96,809,378, 617 bases replaced. GRCh37 (hg19): chr2:97,474,499-97,475,115.
Identifiers: ClinVar variation 2034057 (VCV002034057.4), dbSNP rs2466488252, ClinGen allele CA2580068331.